The following is an entry in ClinVar:

NM_022114.4(PRDM16):c.449A>G (p.Asp150Gly)

Gene: PRDM16 (PR/SET domain 16; plus strand). Cytogenetic location: 1p36.32.
Variant type: single nucleotide variant.
Coding change: c.449A>G on transcript NM_022114.4 (MANE Select); coding-DNA position 449, A replaced by G.
Protein change: p.Asp150Gly; replaces aspartic acid 150 with glycine.
Molecular consequence: missense variant.
Genome position (GRCh38, 1-based): chr1:3,385,162, A>G. VCF-style: chr1-3385162-A-G. GRCh37 (hg19) VCF-style: chr1-3301726-A-G.
Other names: c.449A>G, p.Asp150Gly (NM_199454.3); short protein forms D150G.
Identifiers: ClinVar variation 1514525 (VCV001514525.6), dbSNP rs2100606154, ClinGen allele CA338000323.

ClinVar aggregate classification (germline): Uncertain significance (1 of 4 stars; one submission).

Conditions:
Left ventricular noncompaction 8 (LVNC8). Identifiers: Orphanet 154, Orphanet 54260, MedGen C3809288, MONDO:0014152, OMIM 615373.

Submission:

Labcorp Genetics (formerly Invitae), Labcorp
Classification: Uncertain significance for Left ventricular noncompaction 8. Last evaluated: 2021-10-26. Review status: criteria provided, single submitter. Criteria: Invitae Variant Classification Sherloc (09022015). Collection method: clinical testing. Allele origin: germline.
Comment: This variant has not been reported in the literature in individuals affected with PRDM16-related conditions. This variant is not present in population databases (ExAC no frequency). This sequence change replaces aspartic acid with glycine at codon 150 of the PRDM16 protein (p.Asp150Gly). The aspartic acid residue is moderately conserved and there is a moderate physicochemical difference between aspartic acid and glycine. Algorithms developed to predict the effect of missense changes on protein structure and function are either unavailable or do not agree on the potential impact of this missense change (SIFT: "Deleterious"; PolyPhen-2: "Benign"; Align-GVGD: "Class C15"). In summary, the available evidence is currently insufficient to determine the role of this variant in disease. Therefore, it has been classified as a Variant of Uncertain Significance.